The following is an entry in ClinVar:

NM_000081.4(LYST):c.*891G>C

Gene: LYST (lysosomal trafficking regulator; minus strand). Cytogenetic location: 1q42.3.
Variant type: single nucleotide variant.
Coding change: c.*891G>C on transcript NM_000081.4 (MANE Select); 891 bases downstream of the stop codon, G replaced by C.
Molecular consequence: 3 prime UTR variant.
Genome position (GRCh38, 1-based): chr1:235,662,049, C>G on the plus strand (G>C on the coding strand, the complement: LYST is on the minus strand). VCF-style: chr1-235662049-C-G. GRCh37 (hg19) VCF-style: chr1-235825349-C-G.
Other names: c.*891G>C (NM_001301365.1).
Identifiers: ClinVar variation 296329 (VCV000296329.29), dbSNP rs41269373, ClinGen allele CA10610427.
Genomic context (GRCh38, chr1:235,662,049, plus strand): 5'-AGTAAGCTTTTATAATTCTGTTTTGGGGAAGAAAATTCTTCCTGCAGATTAGATCAAATG[C>G]CTTATTTAGGCTGTGTTCTTAATACCCATGCAAACTTCTTGCATACTGAAGGCTTTCTAT-3'

ClinVar aggregate classification (germline): Likely benign (1 of 4 stars; one submission).

Allele frequency attached by ClinVar (database versions not stated): 1000 Genomes Project 0.00280; 1000 Genomes Project 30x 0.00328.

Submission:

CeGaT Center for Human Genetics Tuebingen
Classification: Likely benign. Last evaluated: 2023-01-01. Review status: criteria provided, single submitter. Criteria: CeGaT Center For Human Genetics Tuebingen Variant Classification Criteria Version 2. Collection method: clinical testing. Allele origin: germline. Affected: yes. Observed: 3 variant alleles.
Comment: LYST: BS2